The following is an entry in ClinVar:

NM_004747.4(DLG5):c.2223C>T (p.Ala741=)

Gene: DLG5 (discs large MAGUK scaffold protein 5; minus strand). Cytogenetic location: 10q22.3.
Variant type: single nucleotide variant.
Coding change: c.2223C>T on transcript NM_004747.4 (MANE Select); coding-DNA position 2223, C replaced by T.
Protein change: p.Ala741=; no amino-acid change (alanine 741 retained).
Molecular consequence: synonymous variant.
Genome position (GRCh38, 1-based): chr10:77,828,948, G>A on the plus strand (C>T on the coding strand, the complement: DLG5 is on the minus strand). VCF-style: chr10-77828948-G-A. GRCh37 (hg19) VCF-style: chr10-79588706-G-A.
Identifiers: ClinVar variation 786826 (VCV000786826.29), dbSNP rs35323061, ClinGen allele CA5569910.

ClinVar aggregate classification (germline): Benign/Likely benign. Review status: criteria provided, multiple submitters, no conflicts (2 of 4 stars). 3 submissions from 3 submitters: Benign (2); Likely benign (1). Last evaluated 2022-12-01.

Allele frequency attached by ClinVar (database versions not stated): 1000 Genomes Project 0.00240; 1000 Genomes Project 30x 0.00250; ESP Exome Variant Server 0.00292; TOPMed 0.00324; ExAC 0.00370; gnomAD 0.00393 and 0.00398.
gnomAD v4.1: 6,901 of 1,614,106 alleles (0.43%); highest among the groups gnomAD compares: Non-Finnish European, 0.43%; 26 homozygotes.

Submissions (3):

CeGaT Center for Human Genetics Tuebingen
Classification: Likely benign. Last evaluated: 2022-12-01. Review status: criteria provided, single submitter. Criteria: CeGaT Center For Human Genetics Tuebingen Variant Classification Criteria Version 2. Collection method: clinical testing. Allele origin: germline. Affected: yes. Observed: 2 variant alleles.
Comment: DLG5: BP4, BP7, BS2

Labcorp Genetics (formerly Invitae), Labcorp
Classification: Benign. Last evaluated: 2019-12-31. Review status: criteria provided, single submitter. Criteria: Invitae Variant Classification Sherloc (09022015). Collection method: clinical testing. Allele origin: germline.

Breakthrough Genomics
Classification: Benign. Review status: criteria provided, single submitter. Criteria: ACMG Guidelines, 2015. Collection method: not provided. Allele origin: germline. Inheritance: Unknown mechanism. Affected: yes.